The following is an entry in ClinVar:

NM_144508.5(KNL1):c.2014A>G (p.Ile672Val)

Gene: KNL1 (kinetochore scaffold 1; plus strand). Cytogenetic location: 15q15.1.
Variant type: single nucleotide variant.
Coding change: c.2014A>G on transcript NM_144508.5 (MANE Select); coding-DNA position 2014, A replaced by G.
Protein change: p.Ile672Val; replaces isoleucine 672 with valine.
Molecular consequence: missense variant.
Genome position (GRCh38, 1-based): chr15:40,622,278, A>G. VCF-style: chr15-40622278-A-G. GRCh37 (hg19) VCF-style: chr15-40914476-A-G.
Other names: c.2092A>G, p.Ile698Val (NM_170589.5); short protein forms I672V, I698V.
Identifiers: ClinVar variation 1027835 (VCV001027835.1), dbSNP rs73394756, ClinGen allele CA7482792.

ClinVar aggregate classification (germline): Uncertain significance (1 of 4 stars; one submission).

Conditions:
Microcephaly 4, primary, autosomal recessive. Identifiers: Orphanet 2512, MedGen C1858516, MONDO:0011437, OMIM 604321.

gnomAD v4.1: 2 of 1,614,036 alleles (0.00012%); highest among the groups gnomAD compares: South Asian, 0.0022%; no homozygotes.

Submission:

Baylor Genetics
Classification: Uncertain significance for Microcephaly 4, primary, autosomal recessive. Last evaluated: 2019-08-17. Review status: criteria provided, single submitter. Criteria: ACMG Guidelines, 2015. Collection method: clinical testing. Allele origin: unknown. Affected: yes.
Comment: This variant was determined to be of uncertain significance according to ACMG Guidelines, 2015 [PMID:25741868].